The following is an entry in ClinVar:

ClinVar aggregate classification (germline): Likely pathogenic (1 of 4 stars; one submission).

Conditions:
Hermansky-Pudlak syndrome 3 (HPS3). Identifiers: Orphanet 231512, Orphanet 79430, MedGen C3888001, MONDO:0013555, OMIM 614072.

Submission:

Myriad Genetics, Inc.
Classification: Likely pathogenic for Hermansky-Pudlak syndrome 3. Last evaluated: 2022-02-22. Review status: criteria provided, single submitter. Criteria: Myriad Women's Health Autosomal Recessive and X-Linked Classification Criteria (2021). Collection method: clinical testing. Allele origin: unknown.
Comment: NM_032383.3(HPS3):c.601_602ins19(M201Nfs*22) is expected to be pathogenic in the context of Hermansky-Pudlak syndrome type 3. This variant is predicted to lead to an abnormal or absent protein product due to the creation of a premature termination codon in HPS3, a gene where loss-of-function variants are known to be pathogenic. Please note: this variant was assessed in the context of healthy population screening.

NM_032383.5(HPS3):c.601_602insACTGTCTCTTATACACATC (p.Met201fs)

Gene: HPS3 (HPS3 biogenesis of lysosomal organelles complex 2 subunit 1; plus strand). Cytogenetic location: 3q24.
Variant type: Insertion.
Coding change: c.601_602insACTGTCTCTTATACACATC on transcript NM_032383.5 (MANE Select); coding-DNA positions 601 to 602, ACTGTCTCTTATACACATC inserted.
Protein change: p.Met201fs; shifts the reading frame from methionine 201.
Molecular consequence: frameshift variant. On other transcripts: intron variant (1).
Genome position: GRCh38 VCF-style: chr3-149140387-A-AACTGTCTCTTATACACATC. GRCh37 (hg19) VCF-style: chr3-148858174-A-AACTGTCTCTTATACACATC.
Other names: c.218-630_218-629insACTGTCTCTTATACACATC (NM_001308258.2); short protein forms M201fs.
Identifiers: ClinVar variation 1724629 (VCV001724629.2), dbSNP rs2473069504, ClinGen allele CA2580068950.